The following is an entry in ClinVar:

ClinVar aggregate classification (germline): Benign/Likely benign. Review status: criteria provided, multiple submitters, no conflicts (2 of 4 stars). 4 submissions from 4 submitters: Benign (1); Likely benign (3). Last evaluated 2025-03-20.

Conditions:
Hereditary cancer-predisposing syndrome. Also called: Hereditary neoplastic syndrome; Neoplastic Syndromes, Hereditary; Tumor predisposition; Hereditary Cancer Syndrome. Identifiers: Orphanet 140162, MedGen C0027672, MeSH D009386, MONDO:0015356.
Familial thoracic aortic aneurysm and aortic dissection (TAAD). Also called: Thoracic aortic aneurysms and dissections. Identifiers: Orphanet 91387, MedGen C4707243, MONDO:0019625.
Juvenile polyposis syndrome (JPS). Identifiers: Orphanet 2929, MedGen C0345893, MONDO:0017380, OMIM 174900.
Juvenile polyposis/hereditary hemorrhagic telangiectasia syndrome (JPHT). Also called: JP/HHT SYNDROME; JUVENILE POLYPOSIS WITH HEREDITARY HEMORRHAGIC TELANGIECTASIA; POLYPOSIS, GENERALIZED JUVENILE, WITH PULMONARY ARTERIOVENOUS MALFORMATION; TELANGIECTASIA, HEREDITARY HEMORRHAGIC, WITH JUVENILE POLYPOSIS COLI; Juvenile Polyposis Syndrome / Hereditary Hemorrhagic Telangiectasia (JPS/HHT). Identifiers: Orphanet 2929, MedGen C1832942, MONDO:0008278, OMIM 175050.

Allele frequency attached by ClinVar (database versions not stated): TOPMed below 0.00001.

Submissions (4):

Myriad Genetics, Inc.
Classification: Benign for Juvenile polyposis/hereditary hemorrhagic telangiectasia syndrome. Last evaluated: 2025-03-20. Review status: criteria provided, single submitter. Criteria: Myriad Autosomal Dominant, Autosomal Recessive and X-Linked Classification Criteria (2023). Collection method: clinical testing. Allele origin: unknown.
Comment: This variant is considered benign. This variant is a silent/synonymous amino acid change and it is not expected to impact splicing.

Labcorp Genetics (formerly Invitae), Labcorp
Classification: Likely benign for Juvenile polyposis syndrome. Last evaluated: 2025-03-04. Review status: criteria provided, single submitter. Criteria: Invitae Variant Classification Sherloc (09022015). Collection method: clinical testing. Allele origin: germline.

Color Diagnostics, LLC DBA Color Health
Classification: Likely benign for Hereditary cancer-predisposing syndrome. Last evaluated: 2022-11-06. Review status: criteria provided, single submitter. Criteria: ACMG Guidelines, 2015. Collection method: clinical testing. Allele origin: germline.

Ambry Genetics
Classification: Likely benign for Hereditary cancer-predisposing syndrome; Familial thoracic aortic aneurysm and aortic dissection. Last evaluated: 2022-03-10. Review status: criteria provided, single submitter. Criteria: Ambry Variant Classification Scheme 2023. Collection method: clinical testing. Allele origin: germline.

NM_005359.6(SMAD4):c.879T>A (p.Pro293=)

Gene: SMAD4 (SMAD family member 4; plus strand). Cytogenetic location: 18q21.2.
Variant type: single nucleotide variant.
Coding change: c.879T>A on transcript NM_005359.6 (MANE Select); coding-DNA position 879, T replaced by A.
Protein change: p.Pro293=; no amino-acid change (proline 293 retained).
Molecular consequence: synonymous variant. On other transcripts: non-coding transcript variant (2).
Genome position (GRCh38, 1-based): chr18:51,058,431, T>A. VCF-style: chr18-51058431-T-A. GRCh37 (hg19) VCF-style: chr18-48584801-T-A.
Other names: c.879T>A, p.Pro293= (NM_001407041.1, NM_001407042.1, NM_001407043.1).
Identifiers: ClinVar variation 1764692 (VCV001764692.4), dbSNP rs1453195015, ClinGen allele CA503994078.